The following is an entry in ClinVar:

NM_001377540.1(SLMAP):c.1699+4T>G

Gene: SLMAP (sarcolemma associated protein; plus strand). Cytogenetic location: 3p14.3.
Variant type: single nucleotide variant.
Coding change: c.1699+4T>G on transcript NM_001377540.1 (MANE Select); 4 bases into the intron after coding-DNA position 1699, T replaced by G.
Molecular consequence: intron variant.
Genome position (GRCh38, 1-based): chr3:57,909,154, T>G. VCF-style: chr3-57909154-T-G. GRCh37 (hg19) VCF-style: chr3-57894881-T-G.
Other names: c.1525+4T>G (NM_001377921.1, NM_001377562.1); c.1597+4T>G (NM_001377549.1, NM_007159.5); c.1474+4T>G (NM_001377923.1); c.1534+4T>G (NM_001377559.1, NM_001377557.1, NM_001304421.2); c.1411+4T>G (NM_001377925.1); c.250+4T>G (NM_001311178.2, NM_001304422.3); c.127+4T>G (NM_001377927.1, NM_001377926.1, NM_001311179.2 and 1 more transcripts); c.53-3227T>G (NM_001304423.3); and 8 more.
Identifiers: ClinVar variation 2696750 (VCV002696750.3), dbSNP rs2475613014, ClinGen allele CA2697556750.

ClinVar aggregate classification (germline): Uncertain significance (1 of 4 stars; one submission).

Conditions:
Brugada syndrome. Also called: Sudden unexpected nocturnal death syndrome; Sudden Unexplained Death Syndrome; Sudden Unexplained Nocturnal Death Syndrome (SUNDS); Sudden unexplained nocturnal death syndrome. Identifiers: Orphanet 130, MedGen C1142166, MONDO:0015263.

Submission:

Labcorp Genetics (formerly Invitae), Labcorp
Classification: Uncertain significance for Brugada syndrome. Last evaluated: 2023-11-17. Review status: criteria provided, single submitter. Criteria: Invitae Variant Classification Sherloc (09022015). Collection method: clinical testing. Allele origin: germline.
Comment: This sequence change falls in intron 16 of the SLMAP gene. It does not directly change the encoded amino acid sequence of the SLMAP protein. It affects a nucleotide within the consensus splice site. This variant is not present in population databases (gnomAD no frequency). This variant has not been reported in the literature in individuals affected with SLMAP-related conditions. Variants that disrupt the consensus splice site are a relatively common cause of aberrant splicing (PMID: 17576681, 9536098). Algorithms developed to predict the effect of sequence changes on RNA splicing suggest that this variant is not likely to affect RNA splicing. In summary, the available evidence is currently insufficient to determine the role of this variant in disease. Therefore, it has been classified as a Variant of Uncertain Significance.

Literature cited by the submitters: PubMed 17576681; PubMed 9536098.